The following is an entry in ClinVar:

ClinVar aggregate classification (germline): Likely benign (0 of 4 stars; one submission).

Conditions:
VWA3B-related disorder. Also called: VWA3B-related condition.

gnomAD v4.1: 28 of 1,614,124 alleles (0.0017%); highest among the groups gnomAD compares: Non-Finnish European, 0.0022%; no homozygotes.

Submission:

PreventionGenetics, part of Exact Sciences
Classification: Likely benign for VWA3B-related condition. Last evaluated: 2019-06-27. Review status: no assertion criteria provided. Collection method: clinical testing. Allele origin: germline.
Comment: This variant is classified as likely benign based on ACMG/AMP sequence variant interpretation guidelines (Richards et al. 2015 PMID: 25741868, with internal and published modifications).

NM_144992.5(VWA3B):c.2428+5G>A

Gene: VWA3B (von Willebrand factor A domain containing 3B; plus strand). Cytogenetic location: 2q11.2.
Variant type: single nucleotide variant.
Coding change: c.2428+5G>A on transcript NM_144992.5 (MANE Select); 5 bases into the intron after coding-DNA position 2428, G replaced by A.
Molecular consequence: intron variant.
Genome position (GRCh38, 1-based): chr2:98,234,772, G>A. VCF-style: chr2-98234772-G-A. GRCh37 (hg19) VCF-style: chr2-98851235-G-A.
Other names: c.1399+5G>A (NM_001345864.2).
Identifiers: ClinVar variation 3351654 (VCV003351654.1).